The following is an entry in ClinVar:

ClinVar aggregate classification (germline): Uncertain significance (1 of 4 stars; one submission).

Submission:

Ambry Genetics
Classification: Uncertain significance. Last evaluated: 2024-07-18. Review status: criteria provided, single submitter. Criteria: Ambry Variant Classification Scheme 2023. Collection method: clinical testing. Allele origin: germline.
Comment: The p.F2289L variant (also known as c.6867C>G), located in coding exon 24 of the POLQ gene, results from a C to G substitution at nucleotide position 6867. The phenylalanine at codon 2289 is replaced by leucine, an amino acid with highly similar properties. This amino acid position is conserved. In addition, this alteration is predicted to be tolerated by in silico analysis. Based on the available evidence, the clinical significance of this variant remains unclear.

NM_199420.4(POLQ):c.6867C>G (p.Phe2289Leu)

Gene: POLQ (DNA polymerase theta; minus strand). Cytogenetic location: 3q13.33.
Variant type: single nucleotide variant.
Coding change: c.6867C>G on transcript NM_199420.4 (MANE Select); coding-DNA position 6867, C replaced by G.
Protein change: p.Phe2289Leu; replaces phenylalanine 2289 with leucine.
Molecular consequence: missense variant.
Genome position (GRCh38, 1-based): chr3:121,467,619, G>C on the plus strand (C>G on the coding strand, the complement: POLQ is on the minus strand). VCF-style: chr3-121467619-G-C. GRCh37 (hg19) VCF-style: chr3-121186466-G-C.
Other names: short protein forms F2289L.
Identifiers: ClinVar variation 3422464 (VCV003422464.1).